The following is an entry in ClinVar:

ClinVar aggregate classification (germline): Uncertain significance (1 of 4 stars; one submission).

Conditions:
Juvenile polyposis syndrome (JPS). Identifiers: Orphanet 2929, MedGen C0345893, MONDO:0017380, OMIM 174900.

Submission:

Labcorp Genetics (formerly Invitae), Labcorp
Classification: Uncertain significance for Juvenile polyposis syndrome. Last evaluated: 2021-09-04. Review status: criteria provided, single submitter. Criteria: Invitae Variant Classification Sherloc (09022015). Collection method: clinical testing. Allele origin: germline.
Comment: This variant has not been reported in the literature in individuals affected with SMAD4-related conditions. This variant is not present in population databases (ExAC no frequency). This sequence change replaces methionine with isoleucine at codon 156 of the SMAD4 protein (p.Met156Ile). The methionine residue is moderately conserved and there is a small physicochemical difference between methionine and isoleucine. Advanced modeling of protein sequence and biophysical properties (such as structural, functional, and spatial information, amino acid conservation, physicochemical variation, residue mobility, and thermodynamic stability) performed at Invitae indicates that this missense variant is not expected to disrupt SMAD4 protein function. In summary, the available evidence is currently insufficient to determine the role of this variant in disease. Therefore, it has been classified as a Variant of Uncertain Significance.

NM_005359.6(SMAD4):c.468G>A (p.Met156Ile)

Gene: SMAD4 (SMAD family member 4; plus strand). Cytogenetic location: 18q21.2.
Variant type: single nucleotide variant.
Coding change: c.468G>A on transcript NM_005359.6 (MANE Select); coding-DNA position 468, G replaced by A.
Protein change: p.Met156Ile; replaces methionine 156 with isoleucine.
Molecular consequence: missense variant.
Genome position (GRCh38, 1-based): chr18:51,054,794, G>A. VCF-style: chr18-51054794-G-A. GRCh37 (hg19) VCF-style: chr18-48581164-G-A.
Other names: short protein forms M156I.
Identifiers: ClinVar variation 1490048 (VCV001490048.6), dbSNP rs2144417826, ClinGen allele CA402460603.
Genomic context (GRCh38, chr18:51,054,794, plus strand): 5'-GAATAGAAGCTTATAAAAATTTAAAATATGTTTAATTTTCTATATAGCTCCATCAAGTAT[G>A]ATGGTGAAGGATGAATATGTGCATGACTTTGAGGGACAGCCATCGTTGTCCACTGAAGGA-3'
Protein context (NP_005350.1, residues 146-166): LTLQSNAPSS[Met156Ile]MVKDEYVHDF